The following is an entry in ClinVar:

ClinVar aggregate classification (germline): Uncertain significance. Review status: criteria provided, multiple submitters, no conflicts (2 of 4 stars). 4 submissions from 4 submitters: Uncertain significance (3). 1 of the submissions does not count toward it. Last evaluated 2024-09-27.

Conditions:
Ornithine aminotransferase deficiency (GACR). Also called: Ornithine ketoacid aminotransferase deficiency; Gyrate atrophy; Gyrate atrophy of choroid and retina; Girate atrophy of the retina; OKT DEFICIENCY; HYPERORNITHINEMIA WITH GYRATE ATROPHY OF CHOROID AND RETINA. Identifiers: Orphanet 414, MedGen C0018425, MONDO:0009796, OMIM 258870.
Retinal dystrophy. Also called: Inherited retinal dystrophy. Identifiers: Orphanet 71862, MedGen C0854723, MeSH D058499, MONDO:0019118, HP:0000556.

Allele frequency attached by ClinVar (database versions not stated): ExAC 0.00002; gnomAD 0.00002 and 0.00003; gnomAD exomes 0.00003 and 0.00004; TOPMed 0.00003.

Submissions (4):

Labcorp Genetics (formerly Invitae), Labcorp
Classification: Uncertain significance for Ornithine aminotransferase deficiency. Last evaluated: 2024-09-27. Review status: criteria provided, single submitter. Criteria: Invitae Variant Classification Sherloc (09022015). Collection method: clinical testing. Allele origin: germline.
Comment: This sequence change replaces arginine, which is basic and polar, with cysteine, which is neutral and slightly polar, at codon 16 of the OAT protein (p.Arg16Cys). This variant is present in population databases (rs778757920, gnomAD 0.008%). This variant has not been reported in the literature in individuals affected with OAT-related conditions. ClinVar contains an entry for this variant (Variation ID: 1365342). An algorithm developed to predict the effect of missense changes on protein structure and function (PolyPhen-2) suggests that this variant is likely to be disruptive. In summary, the available evidence is currently insufficient to determine the role of this variant in disease. Therefore, it has been classified as a Variant of Uncertain Significance.

Blueprint Genetics
Classification: Uncertain significance. Last evaluated: 2022-12-19. Review status: criteria provided, single submitter. Criteria: ACMG Guidelines, 2015. Collection method: clinical testing. Allele origin: germline.

Women's Health and Genetics/Laboratory Corporation of America, LabCorp
Classification: Uncertain significance. Last evaluated: 2022-07-07. Review status: criteria provided, single submitter. Criteria: LabCorp Variant Classification Summary - May 2015. Collection method: clinical testing. Allele origin: germline.
Comment: Variant summary: OAT c.46C>T (p.Arg16Cys) results in a non-conservative amino acid change in the encoded protein sequence. Five of five in-silico tools predict a damaging effect of the variant on protein function. The variant allele was found at a frequency of 4.4e-05 in 251234 control chromosomes (gnomAD). This frequency is not significantly higher than expected for a pathogenic variant in OAT causing Ornithine Aminotransferase Deficiency (4.4e-05 vs 0.0011), allowing no conclusion about variant significance. To our knowledge, no occurrence of c.46C>T in individuals affected with Ornithine Aminotransferase Deficiency and no experimental evidence demonstrating its impact on protein function have been reported. One clinical diagnostic laboratory has submitted a clinical-significance assessment for this variant to ClinVar after 2014 and classified the variant as uncertain significance. Based on the evidence outlined above, the variant was classified as uncertain significance.

Institute of Human Genetics, Univ. Regensburg, Univ. Regensburg
Classification: Uncertain significance for Retinal dystrophy. Last evaluated: 2023-01-01. Review status: no assertion criteria provided. Criteria: ACMG Guidelines, 2015. Collection method: clinical testing. Allele origin: germline. Affected: yes. Not counted in ClinVar's aggregate classification.

NM_000274.4(OAT):c.46C>T (p.Arg16Cys)

Gene: OAT (ornithine aminotransferase; minus strand). Cytogenetic location: 10q26.13.
Variant type: single nucleotide variant.
Coding change: c.46C>T on transcript NM_000274.4 (MANE Select); coding-DNA position 46, C replaced by T.
Protein change: p.Arg16Cys; replaces arginine 16 with cysteine.
Molecular consequence: missense variant. On other transcripts: intron variant (2).
Genome position (GRCh38, 1-based): chr10:124,412,126, G>A on the plus strand (C>T on the coding strand, the complement: OAT is on the minus strand). VCF-style: chr10-124412126-G-A. GRCh37 (hg19) VCF-style: chr10-126100695-G-A.
Other names: c.46C>T, p.Arg16Cys (NM_001322965.2, NM_001322966.2, NM_001322967.2 and 4 more transcripts); c.-215-3161C>T (NM_001171814.2); c.-515-3161C>T (NM_001322974.2); short protein forms R16C.
Identifiers: ClinVar variation 1365342 (VCV001365342.7), dbSNP rs778757920, ClinGen allele CA5733626.